The following is an entry in ClinVar:

ClinVar aggregate classification (germline): Uncertain significance (1 of 4 stars; one submission).

Conditions:
Loeys-Dietz syndrome 2 (LDS2). Also called: TGFBR2-Related Loeys-Dietz Syndrome; Marfan syndrome, type 2 (formerly); AORTIC ANEURYSM, FAMILIAL THORACIC 3; MARFAN SYNDROME, TYPE II; Marfan Syndrome type 2; Marfan like connective tissue disorder. Identifiers: Orphanet 284973, Orphanet 558, MedGen C2674574, MONDO:0012427, OMIM 610168.

Submission:

Labcorp Genetics (formerly Invitae), Labcorp
Classification: Uncertain significance for Loeys-Dietz syndrome 2. Last evaluated: 2023-05-22. Review status: criteria provided, single submitter. Criteria: Invitae Variant Classification Sherloc (09022015). Collection method: clinical testing. Allele origin: germline.
Comment: In summary, the available evidence is currently insufficient to determine the role of this variant in disease. Therefore, it has been classified as a Variant of Uncertain Significance. Advanced modeling of protein sequence and biophysical properties (such as structural, functional, and spatial information, amino acid conservation, physicochemical variation, residue mobility, and thermodynamic stability) performed at Invitae indicates that this missense variant is not expected to disrupt TMPO protein function. This variant has not been reported in the literature in individuals affected with TMPO-related conditions. This variant is not present in population databases (gnomAD no frequency). This sequence change replaces isoleucine, which is neutral and non-polar, with phenylalanine, which is neutral and non-polar, at codon 660 of the TMPO protein (p.Ile660Phe).

NM_001032283.3(TMPO):c.565+2397A>T

Gene: TMPO (thymopoietin; plus strand). Cytogenetic location: 12q23.1.
Variant type: single nucleotide variant.
Coding change: c.565+2397A>T on transcript NM_001032283.3 (MANE Select); 2397 bases into the intron after coding-DNA position 565, A replaced by T.
Molecular consequence: intron variant. On other transcripts: missense variant (1).
Genome position (GRCh38, 1-based): chr12:98,534,235, A>T. VCF-style: chr12-98534235-A-T. GRCh37 (hg19) VCF-style: chr12-98928013-A-T.
Other names: c.1978A>T, p.Ile660Phe (NM_003276.2); c.565+2397A>T (NM_001307975.2, NM_001032284.3); short protein forms I660F.
Identifiers: ClinVar variation 2866845 (VCV002866845.3), dbSNP rs2548505246, ClinGen allele CA386154344.